The following is an entry in ClinVar:

ClinVar aggregate classification (germline): Uncertain significance (1 of 4 stars; one submission).

Conditions:
Inborn genetic diseases. Identifiers: MedGen C0950123, MeSH D030342.

gnomAD v4.1: 1 of 1,613,250 alleles (0.000062%); highest among the groups gnomAD compares: South Asian, 0.0011%; no homozygotes.

Submission:

Ambry Genetics
Classification: Uncertain significance for Inborn genetic diseases. Last evaluated: 2025-08-09. Review status: criteria provided, single submitter. Criteria: Ambry Variant Classification Scheme 2023. Collection method: clinical testing. Allele origin: germline.
Comment: The p.G296R variant (also known as c.886G>A), located in coding exon 5 of the ETV6 gene, results from a G to A substitution at nucleotide position 886. The glycine at codon 296 is replaced by arginine, an amino acid with dissimilar properties. This amino acid position is conserved. In addition, this alteration is predicted to be tolerated by in silico analysis. Based on the available evidence, the clinical significance of this variant remains unclear.

NM_001987.5(ETV6):c.886G>A (p.Gly296Arg)

Gene: ETV6 (ETS variant transcription factor 6; plus strand). Cytogenetic location: 12p13.2.
Variant type: single nucleotide variant.
Coding change: c.886G>A on transcript NM_001987.5 (MANE Select); coding-DNA position 886, G replaced by A.
Protein change: p.Gly296Arg; replaces glycine 296 with arginine.
Molecular consequence: missense variant.
Genome position (GRCh38, 1-based): chr12:11,869,846, G>A. VCF-style: chr12-11869846-G-A. GRCh37 (hg19) VCF-style: chr12-12022780-G-A.
Other names: c.883G>A, p.Gly295Arg (NM_001413913.1); c.859G>A, p.Gly287Arg (NM_001413914.1); c.622G>A, p.Gly208Arg (NM_001413915.1); c.886G>A, p.Gly296Arg (NM_001413916.1, NM_001413917.1); short protein forms G287R, G208R, G296R, G295R.
Identifiers: ClinVar variation 4251418 (VCV004251418.1).